The following is an entry in ClinVar:

ClinVar aggregate classification (germline): Conflicting classifications of pathogenicity. Review status: criteria provided, conflicting classifications (1 of 4 stars). 2 submissions from 2 submitters: Uncertain significance (1); Likely benign (1). Last evaluated 2025-05-26.

Conditions:
STAT3-related disorder. Also called: STAT3-related condition.
Hyper-IgE recurrent infection syndrome 1, autosomal dominant. Also called: JOB SYNDROME; Hyper-IgE recurrent infection syndrome 1; HYPER-IgE SYNDROME 1, AUTOSOMAL DOMINANT, WITH RECURRENT INFECTIONS; STAT3 Hyper IgE Syndrome; Job's Syndrome. Identifiers: Orphanet 2314, MedGen C2936739, MONDO:0007818, OMIM 147060.
STAT3 gain of function. Identifiers: MedGen C4288261.

Allele frequency attached by ClinVar (database versions not stated): gnomAD exomes below 0.00001 and 0.00001; TOPMed below 0.00001; ExAC 0.00001; gnomAD 0.00001.
gnomAD v4.1: 2 of 1,613,150 alleles (0.00012%); highest among the groups gnomAD compares: African/African-American, 0.0027%; no homozygotes.

Submissions (2):

Labcorp Genetics (formerly Invitae), Labcorp
Classification: Likely benign for STAT3 gain of function; Hyper-IgE recurrent infection syndrome 1, autosomal dominant. Last evaluated: 2025-05-26. Review status: criteria provided, single submitter. Criteria: Invitae Variant Classification Sherloc (09022015). Collection method: clinical testing. Allele origin: germline.

PreventionGenetics, part of Exact Sciences
Classification: Uncertain significance for STAT3-related condition. Last evaluated: 2023-06-19. Review status: criteria provided, single submitter. Criteria: ACMG Guidelines, 2015. Collection method: clinical testing. Allele origin: germline.
Comment: The STAT3 c.2150T>C variant is predicted to result in the amino acid substitution p.Ile717Thr. This variant is synonymous in the primary transcript (NM_139276.2:c.2200T>C; p.Leu734=), and it is unclear if the NM_213662 transcript has clinical relevance. To our knowledge, this variant has not been reported in the literature. This variant is reported in 0.012% of alleles in individuals of African descent in gnomAD. In ClinVar, this variant is classified as likely benign. Although we suspect that this variant may be benign, at this time, the clinical significance of this variant is uncertain due to the absence of conclusive functional and genetic evidence.

NM_139276.3(STAT3):c.2200T>C (p.Leu734=)

Gene: STAT3 (signal transducer and activator of transcription 3; minus strand). Cytogenetic location: 17q21.2.
Variant type: single nucleotide variant.
Coding change: c.2200T>C on transcript NM_139276.3 (MANE Select); coding-DNA position 2200, T replaced by C.
Protein change: p.Leu734=; no amino-acid change (leucine 734 retained).
Molecular consequence: synonymous variant. On other transcripts: missense variant (7).
Genome position (GRCh38, 1-based): chr17:42,316,846, A>G on the plus strand (T>C on the coding strand, the complement: STAT3 is on the minus strand). VCF-style: chr17-42316846-A-G. GRCh37 (hg19) VCF-style: chr17-40468864-A-G.
Other names: c.2200T>C, p.Leu734= (NM_001369512.1, NM_001369513.1); c.2197T>C, p.Leu733= (NM_001369514.1, NM_001369516.1, NM_003150.4); c.2150T>C, p.Ile717Thr (NM_001369517.1, NM_001369518.1, NM_213662.2); c.2147T>C, p.Ile716Thr (NM_001369519.1, NM_001369520.1); c.2116T>C, p.Leu706= (NM_001384984.1); c.2122T>C, p.Leu708= (NM_001384985.1); c.2162T>C, p.Ile721Thr (NM_001384986.1); c.2179T>C, p.Leu727= (NM_001384987.1); and 7 more; short protein forms I716T, I717T, I721T, I722T.
Identifiers: ClinVar variation 1660033 (VCV001660033.9), dbSNP rs746221967, ClinGen allele CA8575132.